The following is an entry in ClinVar:

NM_006922.4(SCN3A):c.2370T>G (p.Ser790Arg)

Gene: SCN3A (sodium voltage-gated channel alpha subunit 3; minus strand). Cytogenetic location: 2q24.3.
Variant type: single nucleotide variant.
Coding change: c.2370T>G on transcript NM_006922.4 (MANE Select); coding-DNA position 2370, T replaced by G.
Protein change: p.Ser790Arg; replaces serine 790 with arginine.
Molecular consequence: missense variant.
Genome position (GRCh38, 1-based): chr2:165,137,900, A>C on the plus strand (T>G on the coding strand, the complement: SCN3A is on the minus strand). VCF-style: chr2-165137900-A-C. GRCh37 (hg19) VCF-style: chr2-165994410-A-C.
Other names: c.2223T>G, p.Ser741Arg (NM_001081676.2, NM_001081677.2); short protein forms S741R, S790R.
Identifiers: ClinVar variation 646023 (VCV000646023.10), dbSNP rs1574190274, ClinGen allele CA349044980.

ClinVar aggregate classification (germline): Uncertain significance (1 of 4 stars; one submission).

Submission:

Labcorp Genetics (formerly Invitae), Labcorp
Classification: Uncertain significance. Last evaluated: 2024-12-22. Review status: criteria provided, single submitter. Criteria: Invitae Variant Classification Sherloc (09022015). Collection method: clinical testing. Allele origin: germline.
Comment: This sequence change replaces serine, which is neutral and polar, with arginine, which is basic and polar, at codon 790 of the SCN3A protein (p.Ser790Arg). This variant is not present in population databases (gnomAD no frequency). This variant has not been reported in the literature in individuals affected with SCN3A-related conditions. ClinVar contains an entry for this variant (Variation ID: 646023). Invitae Evidence Modeling of protein sequence and biophysical properties (such as structural, functional, and spatial information, amino acid conservation, physicochemical variation, residue mobility, and thermodynamic stability) indicates that this missense variant is not expected to disrupt SCN3A protein function with a negative predictive value of 95%. In summary, the available evidence is currently insufficient to determine the role of this variant in disease. Therefore, it has been classified as a Variant of Uncertain Significance.